The following is an entry in ClinVar:

ClinVar aggregate classification (germline): Pathogenic. Review status: criteria provided, multiple submitters, no conflicts (2 of 4 stars). 3 submissions from 3 submitters: Pathogenic (3). Last evaluated 2021-11-07.

Conditions:
Tuberous sclerosis 1 (TSC1). Identifiers: Orphanet 805, MedGen C1854465, MONDO:0008612, OMIM 191100.

Submissions (3):

Genome-Nilou Lab
Classification: Pathogenic for Tuberous sclerosis 1. Last evaluated: 2021-11-07. Review status: criteria provided, single submitter. Criteria: ACMG Guidelines, 2015. Collection method: clinical testing. Allele origin: germline. Affected: no.

HudsonAlpha Institute for Biotechnology
Classification: Pathogenic for Tuberous sclerosis 1. Last evaluated: 2021-01-22. Review status: criteria provided, single submitter. Criteria: ACMG Guidelines, 2015. Collection method: research. Allele origin: de novo. Affected: yes. Observed: 1 variant allele. Study: CSER-SouthSeq.
Comment: ACMG codes:PVS1, PS2, PM2

GeneDx
Classification: Pathogenic. Last evaluated: 2020-10-09. Review status: criteria provided, single submitter. Criteria: GeneDx Variant Classification Process June 2021. Collection method: clinical testing. Allele origin: germline. Affected: yes.
Comment: Frameshift variant predicted to result in protein truncation or nonsense mediated decay in a gene for which loss-of-function is a known mechanism of disease; Not observed in large population cohorts (Lek et al., 2016); This variant is associated with the following publications: (PMID: 29314583)

NM_000368.5(TSC1):c.1237del (p.Gln413fs)

Gene: TSC1 (TSC complex subunit 1; minus strand). Cytogenetic location: 9q34.13.
Variant type: Deletion.
Coding change: c.1237del on transcript NM_000368.5 (MANE Select); coding-DNA position 1237, one base deleted (C; older notation c.1237delC).
Protein change: p.Gln413fs; shifts the reading frame from glutamine 413.
Molecular consequence: frameshift variant.
Genome position (GRCh38, 1-based): chr9:132,910,597, G deleted on the plus strand (C on the coding strand, the reverse complement: TSC1 is on the minus strand); the first of 5 consecutive G bases (chr9:132,910,597-132,910,601); deleting any one gives the same sequence. VCF-style (leftmost placement, unchanged base first): chr9-132910596-TG-T. GRCh37 (hg19) VCF-style: chr9-135785983-TG-T.
Other names: c.1237delC (NM_000368.4); c.1234del, p.Gln412fs (NM_001162426.2); c.1084del, p.Gln362fs (NM_001162427.2); c.874del, p.Gln292fs (NM_001362177.2); short protein forms Q362fs, Q292fs, Q413fs, Q412fs.
Identifiers: ClinVar variation 817113 (VCV000817113.5), dbSNP rs1588321344, ClinGen allele CA915947250.